The following is an entry in ClinVar:

ClinVar aggregate classification (germline): Uncertain significance. Review status: criteria provided, multiple submitters, no conflicts (2 of 4 stars). 2 submissions from 2 submitters: Uncertain significance (2). Last evaluated 2025-02-11.

Conditions:
Norman-Roberts syndrome (LIS2). Also called: Lissencephaly 2 (Norman-Roberts type). Identifiers: Orphanet 89844, MedGen C0796089, MONDO:0009760, OMIM 257320.
Familial temporal lobe epilepsy 7. Identifiers: Orphanet 101046, MedGen C4225327, MONDO:0014639, OMIM 616436.
Inborn genetic diseases. Identifiers: MedGen C0950123, MeSH D030342.

Submissions (2):

Ambry Genetics
Classification: Uncertain significance for Inborn genetic diseases. Last evaluated: 2025-02-11. Review status: criteria provided, single submitter. Criteria: Ambry Variant Classification Scheme 2023. Collection method: clinical testing. Allele origin: germline.

Labcorp Genetics (formerly Invitae), Labcorp
Classification: Uncertain significance for Familial temporal lobe epilepsy 7; Norman-Roberts syndrome. Last evaluated: 2024-12-03. Review status: criteria provided, single submitter. Criteria: Invitae Variant Classification Sherloc (09022015). Collection method: clinical testing. Allele origin: germline.
Comment: This sequence change replaces histidine, which is basic and polar, with glutamine, which is neutral and polar, at codon 1893 of the RELN protein (p.His1893Gln). This variant is not present in population databases (gnomAD no frequency). This variant has not been reported in the literature in individuals affected with RELN-related conditions. Invitae Evidence Modeling of protein sequence and biophysical properties (such as structural, functional, and spatial information, amino acid conservation, physicochemical variation, residue mobility, and thermodynamic stability) indicates that this missense variant is not expected to disrupt RELN protein function with a negative predictive value of 80%. In summary, the available evidence is currently insufficient to determine the role of this variant in disease. Therefore, it has been classified as a Variant of Uncertain Significance.

NM_005045.4(RELN):c.5679C>G (p.His1893Gln)

Gene: RELN (reelin; minus strand). Cytogenetic location: 7q22.1.
Variant type: single nucleotide variant.
Coding change: c.5679C>G on transcript NM_005045.4 (MANE Select); coding-DNA position 5679, C replaced by G.
Protein change: p.His1893Gln; replaces histidine 1893 with glutamine.
Molecular consequence: missense variant.
Genome position (GRCh38, 1-based): chr7:103,557,095, G>C on the plus strand (C>G on the coding strand, the complement: RELN is on the minus strand). VCF-style: chr7-103557095-G-C. GRCh37 (hg19) VCF-style: chr7-103197542-G-C.
Other names: c.5679C>G (NM_005045.3); c.5679C>G, p.His1893Gln (NM_173054.3); short protein forms H1893Q.
Identifiers: ClinVar variation 3758150 (VCV003758150.3).